The following is an entry in ClinVar:

NM_000553.6(WRN):c.562C>G (p.Gln188Glu)

Gene: WRN (WRN RecQ like helicase; plus strand). Cytogenetic location: 8p12.
Variant type: single nucleotide variant.
Coding change: c.562C>G on transcript NM_000553.6 (MANE Select); coding-DNA position 562, C replaced by G.
Protein change: p.Gln188Glu; replaces glutamine 188 with glutamic acid.
Molecular consequence: missense variant.
Genome position (GRCh38, 1-based): chr8:31,067,090, C>G. VCF-style: chr8-31067090-C-G. GRCh37 (hg19) VCF-style: chr8-30924606-C-G.
Other names: short protein forms Q188E.
Identifiers: ClinVar variation 857608 (VCV000857608.5), dbSNP rs1812736560, ClinGen allele CA370916059.
Genomic context (GRCh38, chr8:31,067,090, plus strand): 5'-TAGCTGAAATGCACAGAGACCTGGAGCCTTAACAGTCTGGTTAAACACCTCTTAGGTAAA[C>G]AGCTCCTGAAAGACAAGTCTATCCGCTGTAGCAATTGGAGTAAATTTCCTCTCACTGAGG-3'
Protein context (NP_000544.2, residues 178-198): NSLVKHLLGK[Gln188Glu]LLKDKSIRCS

ClinVar aggregate classification (germline): Uncertain significance (1 of 4 stars; one submission).

Conditions:
Werner syndrome (WRN). Identifiers: Orphanet 902, MedGen C0043119, MONDO:0010196, OMIM 277700.

Submission:

Labcorp Genetics (formerly Invitae), Labcorp
Classification: Uncertain significance for Werner syndrome. Last evaluated: 2019-05-21. Review status: criteria provided, single submitter. Criteria: Invitae Variant Classification Sherloc (09022015). Collection method: clinical testing. Allele origin: germline.
Comment: This sequence change replaces glutamine with glutamic acid at codon 188 of the WRN protein (p.Gln188Glu). The glutamine residue is highly conserved and there is a small physicochemical difference between glutamine and glutamic acid. This variant is not present in population databases (ExAC no frequency). This variant has not been reported in the literature in individuals with WRN-related conditions. Algorithms developed to predict the effect of missense changes on protein structure and function are either unavailable or do not agree on the potential impact of this missense change (SIFT: "Deleterious"; PolyPhen-2: "Probably Damaging"; Align-GVGD: "Class C0"). In summary, the available evidence is currently insufficient to determine the role of this variant in disease. Therefore, it has been classified as a Variant of Uncertain Significance.